The following is an entry in ClinVar:

ClinVar aggregate classification (germline): Conflicting classifications of pathogenicity. Review status: criteria provided, conflicting classifications (1 of 4 stars). 8 submissions from 8 submitters: Uncertain significance (3); Likely benign (1). 4 of the submissions do not count toward it. Last evaluated 2026-01-09.

Conditions:
Cardiovascular phenotype. Identifiers: MedGen CN230736.
Dilated cardiomyopathy 1W (CMD1W). Identifiers: Orphanet 154, MedGen C1969639, MONDO:0012667, OMIM 611407.

Allele frequency attached by ClinVar (database versions not stated): TOPMed 0.00006.
gnomAD v4.1: 34 of 1,613,860 alleles (0.0021%); highest among the groups gnomAD compares: Middle Eastern, 0.016%; no homozygotes.

Submissions (8):

Ambry Genetics
Classification: Uncertain significance for Cardiovascular phenotype. Last evaluated: 2026-01-09. Review status: criteria provided, single submitter. Criteria: Ambry Variant Classification Scheme 2023. Collection method: clinical testing. Allele origin: germline.
Comment: The c.622+4C>G intronic variant results from a C to G substitution 4 nucleotides after coding exon 5 in the VCL gene. This nucleotide position is poorly conserved in available vertebrate species. In silico splice site analysis predicts that this alteration will not have any significant effect on splicing. Based on the available evidence, the clinical significance of this variant remains unclear.

Labcorp Genetics (formerly Invitae), Labcorp
Classification: Uncertain significance for Dilated cardiomyopathy 1W. Last evaluated: 2026-01-06. Review status: criteria provided, single submitter. Criteria: Invitae Variant Classification Sherloc (09022015). Collection method: clinical testing. Allele origin: germline.
Comment: This sequence change falls in intron 5 of the VCL gene. It does not directly change the encoded amino acid sequence of the VCL protein. It affects a nucleotide within the consensus splice site. This variant is present in population databases (rs201020802, gnomAD 0.009%). This variant has not been reported in the literature in individuals affected with VCL-related conditions. ClinVar contains an entry for this variant (Variation ID: 229632). Variants that disrupt the consensus splice site are a relatively common cause of aberrant splicing (PMID: 17576681, 9536098). Algorithms developed to predict the effect of sequence changes on RNA splicing suggest that this variant is not likely to affect RNA splicing. In summary, the available evidence is currently insufficient to determine the role of this variant in disease. Therefore, it has been classified as a Variant of Uncertain Significance.

GeneDx
Classification: Likely benign. Last evaluated: 2020-10-28. Review status: criteria provided, single submitter. Criteria: GeneDx Variant Classification Process June 2021. Collection method: clinical testing. Allele origin: germline. Affected: yes.

Laboratory for Molecular Medicine, Mass General Brigham Personalized Medicine
Classification: Uncertain significance. Last evaluated: 2015-08-17. Review status: criteria provided, single submitter. Criteria: LMM Criteria. Collection method: clinical testing. Allele origin: germline. Observed: 1 variant allele.
Comment: The c.622+4C>G variant in VCL has not been previously reported in individuals wi th cardiomyopathy, but has been identified in 5/66734 European chromosomes by th e Exome Aggregation Consortium (ExAC; dbSNP rs20 1020802). This variant is located in the 5' splice region. Computational tools d o not suggest an impact to splicing, though this information is not predictive e nough to rule out pathogenicity. In summary, the clinical significance of the c. 622+4C>G variant is uncertain.

Clinical Genetics DNA and cytogenetics Diagnostics Lab, Erasmus MC, Erasmus Medical Center
Classification: Likely benign. Review status: no assertion criteria provided. Collection method: clinical testing. Allele origin: germline. Affected: yes. Study: VKGL Data-share Consensus. Not counted in ClinVar's aggregate classification.

Clinical Genetics, Academic Medical Center
Classification: Benign. Review status: no assertion criteria provided. Collection method: clinical testing. Allele origin: germline. Affected: yes. Study: VKGL Data-share Consensus. Not counted in ClinVar's aggregate classification.

Diagnostic Laboratory, Department of Genetics, University Medical Center Groningen
Classification: Likely benign. Review status: no assertion criteria provided. Collection method: clinical testing. Allele origin: germline. Affected: yes. Study: VKGL Data-share Consensus. Not counted in ClinVar's aggregate classification.

Joint Genome Diagnostic Labs from Nijmegen and Maastricht, Radboudumc and MUMC+
Classification: Likely benign. Review status: no assertion criteria provided. Collection method: clinical testing. Allele origin: germline. Affected: yes. Study: VKGL Data-share Consensus. Not counted in ClinVar's aggregate classification.

Literature cited by the submitters: PubMed 17576681 (cited by Labcorp Genetics (formerly Invitae), Labcorp); PubMed 9536098 (cited by Labcorp Genetics (formerly Invitae), Labcorp).

NM_014000.3(VCL):c.622+4C>G

Gene: VCL (vinculin; plus strand). Cytogenetic location: 10q22.2.
Variant type: single nucleotide variant.
Coding change: c.622+4C>G on transcript NM_014000.3 (MANE Select); 4 bases into the intron after coding-DNA position 622, C replaced by G.
Molecular consequence: intron variant.
Genome position (GRCh38, 1-based): chr10:74,072,856, C>G. VCF-style: chr10-74072856-C-G. GRCh37 (hg19) VCF-style: chr10-75832614-C-G.
Other names: c.622+4C>G (NM_003373.4).
Identifiers: ClinVar variation 229632 (VCV000229632.23), dbSNP rs201020802, ClinGen allele CA5562812.